The following is an entry in ClinVar:

NM_032776.3(JMJD1C):c.6221C>T (p.Ala2074Val)

Gene: JMJD1C (jumonji domain containing 1C; minus strand). Cytogenetic location: 10q21.3.
Variant type: single nucleotide variant.
Coding change: c.6221C>T on transcript NM_032776.3 (MANE Select); coding-DNA position 6221, C replaced by T.
Protein change: p.Ala2074Val; replaces alanine 2074 with valine.
Molecular consequence: missense variant. On other transcripts: non-coding transcript variant (1).
Genome position (GRCh38, 1-based): chr10:63,190,964, G>A on the plus strand (C>T on the coding strand, the complement: JMJD1C is on the minus strand). VCF-style: chr10-63190964-G-A. GRCh37 (hg19) VCF-style: chr10-64950724-G-A.
Other names: c.5675C>T, p.Ala1892Val (NM_001282948.2, NM_001318154.2); c.5357C>T, p.Ala1786Val (NM_001318153.2); c.6107C>T, p.Ala2036Val (NM_001322252.2); c.5564C>T, p.Ala1855Val (NM_001322254.2, NM_001322258.2); short protein forms A1786V, A1855V, A1892V, A2036V, A2074V.
Identifiers: ClinVar variation 1703180 (VCV001703180.3), dbSNP rs2492425053, ClinGen allele CA377024662.

ClinVar aggregate classification (germline): Uncertain significance (1 of 4 stars; one submission).

Submission:

Greenwood Genetic Center Diagnostic Laboratories, Greenwood Genetic Center
Classification: Uncertain significance. Last evaluated: 2022-05-04. Review status: criteria provided, single submitter. Criteria: ACMG Guidelines, 2015. Collection method: clinical testing. Allele origin: germline. Affected: yes.
Comment: PM2, PP3